The following is an entry in ClinVar:

NM_001130987.2(DYSF):c.3218C>T (p.Ala1073Val)

Gene: DYSF (dysferlin; plus strand). Cytogenetic location: 2p13.2.
Variant type: single nucleotide variant.
Coding change: c.3218C>T on transcript NM_001130987.2 (MANE Select); coding-DNA position 3218, C replaced by T.
Protein change: p.Ala1073Val; replaces alanine 1073 with valine.
Molecular consequence: missense variant.
Genome position (GRCh38, 1-based): chr2:71,570,731, C>T. VCF-style: chr2-71570731-C-T. GRCh37 (hg19) VCF-style: chr2-71797861-C-T.
Other names: c.3167C>T, p.Ala1056Val (NM_001130455.2, NM_001130983.2); c.3122C>T, p.Ala1041Val (NM_001130976.2, NM_001130977.2); c.3164C>T, p.Ala1055Val (NM_001130978.2, NM_003494.4); c.3257C>T, p.Ala1086Val (NM_001130979.2); c.3215C>T, p.Ala1072Val (NM_001130980.2, NM_001130981.2); c.3260C>T, p.Ala1087Val (NM_001130982.2); c.3125C>T, p.Ala1042Val (NM_001130984.2, NM_001130986.2); c.3218C>T, p.Ala1073Val (NM_001130985.2); short protein forms A1041V, A1042V, A1086V, A1072V, A1087V, A1073V, A1055V, A1056V.
Identifiers: ClinVar variation 952893 (VCV000952893.8), dbSNP rs766204227, ClinGen allele CA1706462.
Genomic context (GRCh38, chr2:71,570,731, plus strand): 5'-ACACACACCGACGGCGGCGCTGGGTGCGCCTGCGCAGGAGGGATCTCAGCCAAATGGAAG[C>T]ACTGAAAAGGGTGAGCCAGCAGGTGGTGGGTGGGAGTGAGGCCTGTGGTCACAGGTGGCC-3'
Protein context (NP_001124459.1, residues 1063-1083): LRRRDLSQME[Ala1073Val]LKRHRQAEAE

ClinVar aggregate classification (germline): Uncertain significance. Review status: criteria provided, multiple submitters, no conflicts (2 of 4 stars). 3 submissions from 3 submitters: Uncertain significance (2). 1 of the submissions does not count toward it. Last evaluated 2024-12-20.

Conditions:
Neuromuscular disease caused by qualitative or quantitative defects of dysferlin. Also called: Qualitative or quantitative defects of dysferlin; Dysferlinopathy. Identifiers: Orphanet 207073, MedGen C2931687, MONDO:0016145.
Inborn genetic diseases. Identifiers: MedGen C0950123, MeSH D030342.
Autosomal recessive limb-girdle muscular dystrophy type 2B (LGMDR2). Also called: MUSCULAR DYSTROPHY, LIMB-GIRDLE, TYPE 3; MUSCULAR DYSTROPHY, LIMB-GIRDLE, AUTOSOMAL RECESSIVE 2; Limb-girdle muscular dystrophy, type 2B; Limb-Girdle Muscular Dystrophy Type 2B (LGMD2B). Identifiers: Orphanet 268, MedGen C1850889, MONDO:0009676, OMIM 253601.

Allele frequency attached by ClinVar (database versions not stated): ExAC 0.00001; gnomAD exomes 0.00001; gnomAD 0.00002; TOPMed 0.00003.
gnomAD v4.1: 13 of 1,613,772 alleles (0.00081%); highest among the groups gnomAD compares: Admixed American, 0.0033%; no homozygotes.

Submissions (3):

Ambry Genetics
Classification: Uncertain significance for Inborn genetic diseases. Last evaluated: 2024-12-20. Review status: criteria provided, single submitter. Criteria: Ambry Variant Classification Scheme 2023. Collection method: clinical testing. Allele origin: germline.

Labcorp Genetics (formerly Invitae), Labcorp
Classification: Uncertain significance for Neuromuscular disease caused by qualitative or quantitative defects of dysferlin. Last evaluated: 2022-02-09. Review status: criteria provided, single submitter. Criteria: Invitae Variant Classification Sherloc (09022015). Collection method: clinical testing. Allele origin: germline.
Comment: This sequence change replaces alanine, which is neutral and non-polar, with valine, which is neutral and non-polar, at codon 1055 of the DYSF protein (p.Ala1055Val). This variant is present in population databases (rs766204227, gnomAD 0.002%). This variant has not been reported in the literature in individuals affected with DYSF-related conditions. ClinVar contains an entry for this variant (Variation ID: 952893). Advanced modeling of protein sequence and biophysical properties (such as structural, functional, and spatial information, amino acid conservation, physicochemical variation, residue mobility, and thermodynamic stability) performed at Invitae indicates that this missense variant is not expected to disrupt DYSF protein function. In summary, the available evidence is currently insufficient to determine the role of this variant in disease. Therefore, it has been classified as a Variant of Uncertain Significance.

Natera, Inc.
Classification: Uncertain significance for Limb-girdle muscular dystrophy type 2B. Last evaluated: 2021-07-07. Review status: no assertion criteria provided. Collection method: clinical testing. Allele origin: germline. Not counted in ClinVar's aggregate classification.